The following is an entry in ClinVar:

ClinVar aggregate classification (germline): Uncertain significance. Review status: criteria provided, multiple submitters, no conflicts (2 of 4 stars). 2 submissions from 2 submitters: Uncertain significance (2). Last evaluated 2024-06-28.

Conditions:
Short-rib thoracic dysplasia 8 with or without polydactyly (SRTD8). Also called: SHORT-RIB THORACIC DYSPLASIA 8 WITH POLYDACTYLY. Identifiers: Orphanet 93271, MedGen C3809691, MONDO:0014214, OMIM 615503.
Inborn genetic diseases. Identifiers: MedGen C0950123, MeSH D030342.

Allele frequency attached by ClinVar (database versions not stated): gnomAD exomes 0.00001; gnomAD 0.00002; TOPMed 0.00005.
gnomAD v4.1: 29 of 1,610,082 alleles (0.0018%); highest among the groups gnomAD compares: African/African-American, 0.025%; no homozygotes.

Submissions (2):

Ambry Genetics
Classification: Uncertain significance for Inborn genetic diseases. Last evaluated: 2024-06-28. Review status: criteria provided, single submitter. Criteria: Ambry Variant Classification Scheme 2023. Collection method: clinical testing. Allele origin: germline.

Labcorp Genetics (formerly Invitae), Labcorp
Classification: Uncertain significance for Short-rib thoracic dysplasia 8 with or without polydactyly. Last evaluated: 2022-02-24. Review status: criteria provided, single submitter. Criteria: Invitae Variant Classification Sherloc (09022015). Collection method: clinical testing. Allele origin: germline.
Comment: This sequence change replaces asparagine, which is neutral and polar, with serine, which is neutral and polar, at codon 978 of the WDR60 protein (p.Asn978Ser). This variant is present in population databases (rs780146826, gnomAD 0.009%). This variant has not been reported in the literature in individuals affected with WDR60-related conditions. Algorithms developed to predict the effect of missense changes on protein structure and function output the following: SIFT: "Tolerated"; PolyPhen-2: "Benign"; Align-GVGD: "Class C0". The serine amino acid residue is found in multiple mammalian species, which suggests that this missense change does not adversely affect protein function. In summary, the available evidence is currently insufficient to determine the role of this variant in disease. Therefore, it has been classified as a Variant of Uncertain Significance.

NM_018051.5(DYNC2I1):c.2933A>G (p.Asn978Ser)

Gene: DYNC2I1 (dynein 2 intermediate chain 1; plus strand). Cytogenetic location: 7q36.3.
Variant type: single nucleotide variant.
Coding change: c.2933A>G on transcript NM_018051.5 (MANE Select); coding-DNA position 2933, A replaced by G.
Protein change: p.Asn978Ser; replaces asparagine 978 with serine.
Molecular consequence: missense variant.
Genome position (GRCh38, 1-based): chr7:158,942,079, A>G. VCF-style: chr7-158942079-A-G. GRCh37 (hg19) VCF-style: chr7-158734770-A-G.
Other names: c.2795A>G, p.Asn932Ser (NM_001350914.2); c.2360A>G, p.Asn787Ser (NM_001350915.2); c.1472A>G, p.Asn491Ser (NM_001350916.2); c.1685A>G, p.Asn562Ser (NM_001350917.2, NM_001350918.2); c.2933A>G (NM_018051.4); short protein forms N491S, N562S, N787S, N932S, N978S.
Identifiers: ClinVar variation 1680730 (VCV001680730.7), dbSNP rs780146826, ClinGen allele CA4595146.
Genomic context (GRCh38, chr7:158,942,079, plus strand): 5'-CCGGCCTGCAGTGGTCCCCAACCAGGCCTGCCGTGTTCCTGGTGCAGGACGACACATCCA[A>G]CATCTACATCTGGGACCTCCTCCAGAGCGATCTGGGTCCTGTCGCCAAACAGCAGGTCTC-3'
Protein context (NP_060521.4, residues 968-988): AVFLVQDDTS[Asn978Ser]IYIWDLLQSD